The following is an entry in ClinVar:

ClinVar aggregate classification (germline): Conflicting classifications of pathogenicity. Review status: criteria provided, conflicting classifications (1 of 4 stars). 4 submissions from 4 submitters: Uncertain significance (2); Likely benign (1). 1 of the submissions does not count toward it. Last evaluated 2025-07-25.

Conditions:
PCNT-related disorder. Also called: PCNT-related condition.

Allele frequency attached by ClinVar (database versions not stated): ESP Exome Variant Server 0.00015; 1000 Genomes Project 30x 0.00016; 1000 Genomes Project 0.00020; gnomAD exomes 0.00024; ExAC 0.00025; gnomAD 0.00026 and 0.00028.
gnomAD v4.1: 247 of 1,603,292 alleles (0.015%); highest among the groups gnomAD compares: Non-Finnish European, 0.012%; no homozygotes.

Submissions (5):

Labcorp Genetics (formerly Invitae), Labcorp
Classification: Uncertain significance. Last evaluated: 2025-07-25. Review status: criteria provided, single submitter. Criteria: Invitae Variant Classification Sherloc (09022015). Collection method: clinical testing. Allele origin: germline.
Comment: This sequence change affects codon 718 of the PCNT mRNA. It is a 'silent' change, meaning that it does not change the encoded amino acid sequence of the PCNT protein. This variant also falls at the last nucleotide of exon 13, which is part of the consensus splice site for this exon. This variant is present in population databases (rs147878958, gnomAD 0.2%). This variant has not been reported in the literature in individuals affected with PCNT-related conditions. ClinVar contains an entry for this variant (Variation ID: 1521995). Variants that disrupt the consensus splice site are a relatively common cause of aberrant splicing (PMID: 17576681, 9536098). Algorithms developed to predict the effect of sequence changes on RNA splicing suggest that this variant may disrupt the consensus splice site. In summary, the available evidence is currently insufficient to determine the role of this variant in disease. Therefore, it has been classified as a Variant of Uncertain Significance.

CeGaT Center for Human Genetics Tuebingen
Classification: Likely benign. Last evaluated: 2025-01-01. Review status: criteria provided, single submitter. Criteria: CeGaT Center For Human Genetics Tuebingen Variant Classification Criteria Version 2. Collection method: clinical testing. Allele origin: germline. Affected: yes. Observed: 2 variant alleles.
Comment: PCNT: BP4, BP7

Blueprint Genetics
Classification: Uncertain significance. Last evaluated: 2024-10-10. Review status: criteria provided, single submitter. Criteria: ACMG Guidelines, 2015. Collection method: clinical testing. Allele origin: germline.

PreventionGenetics, part of Exact Sciences
Classification: Likely benign for PCNT-related condition. Last evaluated: 2022-02-25. Review status: no assertion criteria provided. Collection method: clinical testing. Allele origin: germline. Not counted in ClinVar's aggregate classification.
Comment: This variant is classified as likely benign based on ACMG/AMP sequence variant interpretation guidelines (Richards et al. 2015 PMID: 25741868, with internal and published modifications).

Dr. Peter K. Rogan Lab, Western University
No classification provided (evidence only). Condition: Familial cancer of breast. Review status: no classification provided. Collection method: in vitro. Allele origin: not applicable. Functional consequence: retained intron. Not counted in ClinVar's aggregate classification.

Literature cited by the submitters: PubMed 17576681 (cited by Labcorp Genetics (formerly Invitae), Labcorp); PubMed 9536098 (cited by Labcorp Genetics (formerly Invitae), Labcorp).

NM_006031.6(PCNT):c.2154G>A (p.Lys718=)

Gene: PCNT (pericentrin; plus strand). Cytogenetic location: 21q22.3.
Variant type: single nucleotide variant.
Coding change: c.2154G>A on transcript NM_006031.6 (MANE Select); coding-DNA position 2154, G replaced by A.
Protein change: p.Lys718=; no amino-acid change (lysine 718 retained).
Molecular consequence: synonymous variant.
Genome position (GRCh38, 1-based): chr21:46,357,191, G>A. VCF-style: chr21-46357191-G-A. GRCh37 (hg19) VCF-style: chr21-47777106-G-A.
Other names: c.2154G>A (NM_006031.5); c.1800G>A, p.Lys600= (NM_001315529.2).
Identifiers: ClinVar variation 1521995 (VCV001521995.30), dbSNP rs147878958, ClinGen allele CA10078885.